The following is an entry in ClinVar:

NM_001035.3(RYR2):c.10940_10942del (p.Pro3647_Gly3648delinsArg)

Gene: RYR2 (ryanodine receptor 2; plus strand). Cytogenetic location: 1q43.
Variant type: Deletion.
Coding change: c.10940_10942del on transcript NM_001035.3 (MANE Select); coding-DNA positions 10940 to 10942, 3 bases deleted (CTG; older notation c.10940_10942delCTG).
Protein change: p.Pro3647_Gly3648delinsArg.
Molecular consequence: inframe indel.
Genome position (GRCh38, 1-based): chr1:237,732,050-237,732,052, CTG deleted. VCF-style (leftmost placement, unchanged base first): chr1-237732049-CCTG-C. GRCh37 (hg19) VCF-style: chr1-237895349-CCTG-C.
Identifiers: ClinVar variation 3072963 (VCV003072963.2), dbSNP rs1558307363, ClinGen allele CA529547721.

ClinVar aggregate classification (germline): Uncertain significance. Review status: criteria provided, multiple submitters, no conflicts (2 of 4 stars). 2 submissions from 2 submitters: Uncertain significance (2). Last evaluated 2025-08-04.

Conditions:
Catecholaminergic polymorphic ventricular tachycardia (CVPT). Also called: Catecholamine-induced polymorphic ventricular tachycardia. Identifiers: Orphanet 3286, MedGen C5574922, MONDO:0017990.
Cardiomyopathy (CMYO). Also called: Cardiomyopathies. Identifiers: Orphanet 167848, MedGen C0878544, MONDO:0004994, HP:0001638. Inheritance: Various modes of inheritance.

Allele frequency attached by ClinVar (database versions not stated): gnomAD exomes below 0.00001; gnomAD 0.00001.

Submissions (2):

Color Diagnostics, LLC DBA Color Health
Classification: Uncertain significance for Cardiomyopathy. Last evaluated: 2025-08-04. Review status: criteria provided, single submitter. Criteria: ACMG Guidelines, 2015. Collection method: clinical testing. Allele origin: germline.
Comment: This variant causes a replacement of two amino acids at codon 3647 and 3648 with one novel amino acid in the RYR2 protein (p.Pro3647_Gly3648delinsArg). To our knowledge, functional studies have not been reported for this variant. This variant has not been reported in individuals affected with RYR2-related disorders in the literature. This variant has been identified in 1/237680 chromosomes in the general population by the Genome Aggregation Database (gnomAD). The available evidence is insufficient to determine the role of this variant in disease conclusively. Therefore, this variant is classified as a Variant of Uncertain Significance.

All of Us Research Program, National Institutes of Health
Classification: Uncertain significance for Catecholaminergic polymorphic ventricular tachycardia. Last evaluated: 2023-08-15. Review status: criteria provided, single submitter. Criteria: ACMG Guidelines, 2015. Collection method: clinical testing. Allele origin: germline. Inheritance: Autosomal dominant inheritance. Observed: 1 variant allele, 1 heterozygote.
Comment: This variant causes the deletion of one amino acid in which proline 3647 and glycine 3648 are substituted by an arginine in the RYR2 protein. To our knowledge, functional studies have not been reported for this variant. This variant has not been reported in individuals affected with RYR2-related disorders in the literature. This variant has been identified in 1/237680 chromosomes in the general population by the Genome Aggregation Database (gnomAD). The available evidence is insufficient to determine the role of this variant in disease conclusively. Therefore, this variant is classified as a Variant of Uncertain Significance.

This study involves interpretation of variants in research participants for the purpose of population health screening. Participant phenotype was not available at the time of variant classification. Additional details can be found in publication PMID: 35346344, PMCID: PMC8962531